The following is an entry in ClinVar:

NM_001130438.3(SPTAN1):c.5149-10C>T

Gene: SPTAN1 (spectrin alpha, non-erythrocytic 1; plus strand). Cytogenetic location: 9q34.11.
Variant type: single nucleotide variant.
Coding change: c.5149-10C>T on transcript NM_001130438.3 (MANE Select); 10 bases into the intron before coding-DNA position 5149, C replaced by T.
Molecular consequence: intron variant.
Genome position (GRCh38, 1-based): chr9:128,615,622, C>T. VCF-style: chr9-128615622-C-T. GRCh37 (hg19) VCF-style: chr9-131377901-C-T.
Other names: c.5149-10C>T (NM_001363759.2); c.5134-10C>T (NM_003127.4); c.5089-10C>T (NM_001363765.2); c.5074-10C>T (NM_001195532.2).
Identifiers: ClinVar variation 160015 (VCV000160015.14), dbSNP rs587784437, ClinGen allele CA173575.

ClinVar aggregate classification (germline): Conflicting classifications of pathogenicity. Review status: criteria provided, conflicting classifications (1 of 4 stars). 4 submissions from 4 submitters: Uncertain significance (2); Benign (1); Likely benign (1). Last evaluated 2025-03-19.

Conditions:
Developmental and epileptic encephalopathy, 5 (DEE5). Identifiers: Orphanet 3451, MedGen C3150731, MONDO:0013277, OMIM 613477.
Early-infantile DEE. Also called: Ohtahara syndrome; Early infantile epileptic encephalopathy; Early infantile epileptic encephalopathy with suppression bursts. Identifiers: Orphanet 1934, MedGen C0393706, MONDO:0800491.

Allele frequency attached by ClinVar (database versions not stated): gnomAD 0.00001; TOPMed 0.00001; gnomAD exomes 0.00002.
gnomAD v4.1: 27 of 1,613,634 alleles (0.0017%); highest among the groups gnomAD compares: Non-Finnish European, 0.0023%; no homozygotes.

Submissions (4):

Labcorp Genetics (formerly Invitae), Labcorp
Classification: Likely benign for Early-infantile DEE. Last evaluated: 2025-03-19. Review status: criteria provided, single submitter. Criteria: Invitae Variant Classification Sherloc (09022015). Collection method: clinical testing. Allele origin: germline.

Genome-Nilou Lab
Classification: Uncertain significance for Developmental and epileptic encephalopathy, 5. Last evaluated: 2021-07-15. Review status: criteria provided, single submitter. Criteria: ACMG Guidelines, 2015. Collection method: clinical testing. Allele origin: germline. Affected: no.

GeneDx
Classification: Benign. Last evaluated: 2014-07-11. Review status: criteria provided, single submitter. Criteria: GeneDx Variant Classification (06012015). Collection method: clinical testing. Allele origin: germline. Affected: yes.
Comment: This variant is considered likely benign or benign based on one or more of the following criteria: it is a conservative change, it occurs at a poorly conserved position in the protein, it is predicted to be benign by multiple in silico algorithms, and/or has population frequency not consistent with disease.

Genetic Services Laboratory, University of Chicago
Classification: Uncertain significance for Epileptic encephalopathy, early infantile, 5. Last evaluated: 2012-12-06. Review status: criteria provided, single submitter. Criteria: ACMG Guidelines, 2007. Collection method: clinical testing. Allele origin: germline. Inheritance: Autosomal dominant inheritance.